The following is an entry in ClinVar:

NM_000350.3(ABCA4):c.4539+1102T>A

Gene: ABCA4 (ATP binding cassette subfamily A member 4; minus strand). Cytogenetic location: 1p22.1.
Variant type: single nucleotide variant.
Coding change: c.4539+1102T>A on transcript NM_000350.3 (MANE Select); 1102 bases into the intron after coding-DNA position 4539, T replaced by A.
Molecular consequence: intron variant.
Genome position (GRCh38, 1-based): chr1:94,028,343, A>T on the plus strand (T>A on the coding strand, the complement: ABCA4 is on the minus strand). VCF-style: chr1-94028343-A-T. GRCh37 (hg19) VCF-style: chr1-94493899-A-T.
Other names: c.4317+1102T>A (NM_001425324.1).
Identifiers: ClinVar variation 4989497 (VCV004989497.1).

ClinVar aggregate classification (germline): Likely benign (1 of 4 stars; one submission).

Conditions:
ABCA4-related disorder. Also called: ABCA4-related disorders; ABCA4-related condition. Identifiers: MedGen CN239167.

gnomAD v4.1: 14 of 152,296 alleles (0.0092%); highest among the groups gnomAD compares: South Asian, 0.29%; no homozygotes.

Submission:

PreventionGenetics, part of Exact Sciences
Classification: Likely benign for ABCA4-related condition. Last evaluated: 2026-08-05. Review status: criteria provided, single submitter. Criteria: ACMG Guidelines, 2015. Collection method: clinical testing. Allele origin: germline.
Comment: This variant is classified as likely benign based on ACMG/AMP sequence variant interpretation guidelines (Richards et al. 2015 PMID: 25741868, with internal and published modifications).